The following is an entry in ClinVar:

NM_000063.6(C2):c.2197T>C (p.Phe733Leu)

Gene: C2 (complement C2; plus strand). Cytogenetic location: 6p21.33.
Variant type: single nucleotide variant.
Coding change: c.2197T>C on transcript NM_000063.6 (MANE Select); coding-DNA position 2197, T replaced by C.
Protein change: p.Phe733Leu; replaces phenylalanine 733 with leucine.
Molecular consequence: missense variant.
Genome position (GRCh38, 1-based): chr6:31,945,295, T>C. VCF-style: chr6-31945295-T-C. GRCh37 (hg19) VCF-style: chr6-31913072-T-C.
Other names: c.1801T>C, p.Phe601Leu (NM_001145903.3); c.1555T>C, p.Phe519Leu (NM_001178063.3); c.1459T>C, p.Phe487Leu (NM_001282457.2); c.2110T>C, p.Phe704Leu (NM_001282458.2); short protein forms F733L, F519L, F704L, F487L, F601L.
Identifiers: ClinVar variation 1469292 (VCV001469292.6), dbSNP rs1771303621, ClinGen allele CA363385313.
Genomic context (GRCh38, chr6:31,945,295, plus strand): 5'-TCCCGCAAAAGGGCCCCTCGTAGCAAGGTCCCGCCGCCACGAGACTTTCACATCAATCTC[T>C]TCCGCATGCAGCCCTGGCTGAGGCAGCACCTGGGGGATGTCCTGAATTTTTTACCCCTCT-3'
Protein context (NP_000054.2, residues 723-743): PPPRDFHINL[Phe733Leu]RMQPWLRQHL

ClinVar aggregate classification (germline): Uncertain significance (1 of 4 stars; one submission).

Submission:

Labcorp Genetics (formerly Invitae), Labcorp
Classification: Uncertain significance. Last evaluated: 2021-09-03. Review status: criteria provided, single submitter. Criteria: Invitae Variant Classification Sherloc (09022015). Collection method: clinical testing. Allele origin: germline.
Comment: In summary, the available evidence is currently insufficient to determine the role of this variant in disease. Therefore, it has been classified as a Variant of Uncertain Significance. Algorithms developed to predict the effect of missense changes on protein structure and function are either unavailable or do not agree on the potential impact of this missense change (SIFT: "Deleterious"; PolyPhen-2: "Possibly Damaging"; Align-GVGD: "Class C15"). This variant has not been reported in the literature in individuals affected with C2-related conditions. This variant is not present in population databases (ExAC no frequency). This sequence change replaces phenylalanine with leucine at codon 733 of the C2 protein (p.Phe733Leu). The phenylalanine residue is highly conserved and there is a small physicochemical difference between phenylalanine and leucine.